The following is an entry in ClinVar:

NM_006648.4(WNK2):c.5554T>G (p.Ser1852Ala)

Gene: WNK2 (WNK lysine deficient protein kinase 2; plus strand). Cytogenetic location: 9q22.31.
Variant type: single nucleotide variant.
Coding change: c.5554T>G on transcript NM_006648.4 (MANE Select); coding-DNA position 5554, T replaced by G.
Protein change: p.Ser1852Ala; replaces serine 1852 with alanine.
Molecular consequence: missense variant.
Genome position (GRCh38, 1-based): chr9:93,293,019, T>G. VCF-style: chr9-93293019-T-G. GRCh37 (hg19) VCF-style: chr9-96055301-T-G.
Other names: c.5665T>G, p.Ser1889Ala (NM_001282394.3); short protein forms S1852A, S1889A.
Identifiers: ClinVar variation 4605436 (VCV004605436.1).

ClinVar aggregate classification (germline): Uncertain significance (1 of 4 stars; one submission).

Submission:

Ambry Genetics
Classification: Uncertain significance. Last evaluated: 2025-12-14. Review status: criteria provided, single submitter. Criteria: Ambry Variant Classification Scheme 2023. Collection method: clinical testing. Allele origin: germline.
Comment: The p.S1852A variant (also known as c.5554T>G), located in coding exon 22 of the WNK2 gene, results from a T to G substitution at nucleotide position 5554. The serine at codon 1852 is replaced by alanine, an amino acid with similar properties. This amino acid position is conserved. In addition, this alteration is predicted to be tolerated by in silico analysis. Based on the available evidence, the clinical significance of this variant remains unclear.